The following is an entry in ClinVar:

ClinVar aggregate classification (germline): Uncertain significance. Review status: criteria provided, multiple submitters, no conflicts (2 of 4 stars). 3 submissions from 3 submitters: Uncertain significance (3). Last evaluated 2026-07-09.

Conditions:
AARS1-related disorder. Also called: AARS1-related condition.
Charcot-Marie-Tooth disease type 2. Also called: Charcot-Marie-Tooth type 2. Identifiers: Orphanet 64746, MedGen C0270914, MONDO:0018993.
Trichothiodystrophy 8, nonphotosensitive. Identifiers: MedGen C5562057, MONDO:0030517, OMIM 619691.

Allele frequency attached by ClinVar (database versions not stated): TOPMed 0.00002.
gnomAD v4.1: 7 of 1,613,724 alleles (0.00043%); highest among the groups gnomAD compares: Non-Finnish European, 0.00059%; no homozygotes.

Submissions (3):

PreventionGenetics, part of Exact Sciences
Classification: Uncertain significance for AARS1-related condition. Last evaluated: 2026-07-09. Review status: criteria provided, single submitter. Criteria: ACMG Guidelines, 2015. Collection method: clinical testing. Allele origin: germline.
Comment: The AARS1 c.621C>G variant is predicted to result in the amino acid substitution p.Asp207Glu. To our knowledge, this variant has not been reported in the literature. This variant is reported in 0.0023% of alleles in individuals of European (non-Finnish) descent in gnomAD. At this time, the clinical significance of this variant is uncertain due to the absence of conclusive functional and genetic evidence.

Genomic Medicine Center of Excellence, King Faisal Specialist Hospital and Research Centre
Classification: Uncertain significance for Trichothiodystrophy 8, nonphotosensitive. Last evaluated: 2024-09-22. Review status: criteria provided, single submitter. Criteria: ACMG Guidelines, 2015. Collection method: clinical testing. Allele origin: germline.

Labcorp Genetics (formerly Invitae), Labcorp
Classification: Uncertain significance for Charcot-Marie-Tooth disease type 2. Last evaluated: 2024-06-28. Review status: criteria provided, single submitter. Criteria: Invitae Variant Classification Sherloc (09022015). Collection method: clinical testing. Allele origin: germline.
Comment: This sequence change replaces aspartic acid, which is acidic and polar, with glutamic acid, which is acidic and polar, at codon 207 of the AARS protein (p.Asp207Glu). This variant is present in population databases (rs147424208, gnomAD 0.002%). This variant has not been reported in the literature in individuals affected with AARS-related conditions. ClinVar contains an entry for this variant (Variation ID: 1025371). Advanced modeling of protein sequence and biophysical properties (such as structural, functional, and spatial information, amino acid conservation, physicochemical variation, residue mobility, and thermodynamic stability) performed at Invitae indicates that this missense variant is not expected to disrupt AARS protein function with a negative predictive value of 80%. In summary, the available evidence is currently insufficient to determine the role of this variant in disease. Therefore, it has been classified as a Variant of Uncertain Significance.

NM_001605.3(AARS1):c.621C>G (p.Asp207Glu)

Gene: AARS1 (alanyl-tRNA synthetase 1; minus strand). Cytogenetic location: 16q22.1.
Variant type: single nucleotide variant.
Coding change: c.621C>G on transcript NM_001605.3 (MANE Select); coding-DNA position 621, C replaced by G.
Protein change: p.Asp207Glu; replaces aspartic acid 207 with glutamic acid.
Molecular consequence: missense variant.
Genome position (GRCh38, 1-based): chr16:70,271,831, G>C on the plus strand (C>G on the coding strand, the complement: AARS1 is on the minus strand). VCF-style: chr16-70271831-G-C. GRCh37 (hg19) VCF-style: chr16-70305734-G-C.
Other names: c.621C>G (NM_001605.2); short protein forms D207E.
Identifiers: ClinVar variation 1025371 (VCV001025371.12), dbSNP rs147424208, ClinGen allele CA8141087.